The following is an entry in ClinVar:

ClinVar aggregate classification (germline): Uncertain significance. Review status: criteria provided, multiple submitters, no conflicts (2 of 4 stars). 2 submissions from 2 submitters: Uncertain significance (2). Last evaluated 2025-11-10.

Conditions:
Cardiovascular phenotype. Identifiers: MedGen CN230736.
Brugada syndrome 8 (BRGDA8). Identifiers: Orphanet 130, MedGen C2751083, MONDO:0013148, OMIM 613123.

Allele frequency attached by ClinVar (database versions not stated): TOPMed below 0.00001; gnomAD 0.00001; gnomAD exomes 0.00001.
gnomAD v4.1: 4 of 1,378,094 alleles (0.00029%); highest among the groups gnomAD compares: Non-Finnish European, 0.00038%; no homozygotes.

Submissions (2):

Ambry Genetics
Classification: Uncertain significance for Cardiovascular phenotype. Last evaluated: 2025-11-10. Review status: criteria provided, single submitter. Criteria: Ambry Variant Classification Scheme 2023. Collection method: clinical testing. Allele origin: germline.
Comment: The p.E127K variant (also known as c.379G>A), located in coding exon 1 of the HCN4 gene, results from a G to A substitution at nucleotide position 379. The glutamic acid at codon 127 is replaced by lysine, an amino acid with similar properties. This alteration has been reported in an individual with familial thoracic aortic aneurysm, having an additional alteration in MYLK identified (Schweizer PA et al. J Am Coll Cardiol, 2017 03;69:1209-1210). This amino acid position is highly conserved in available vertebrate species. In addition, the in silico prediction for this alteration is inconclusive. Since supporting evidence is limited at this time, the clinical significance of this alteration remains unclear.

Labcorp Genetics (formerly Invitae), Labcorp
Classification: Uncertain significance for Brugada syndrome 8. Last evaluated: 2025-06-09. Review status: criteria provided, single submitter. Criteria: Invitae Variant Classification Sherloc (09022015). Collection method: clinical testing. Allele origin: germline.
Comment: This sequence change replaces glutamic acid, which is acidic and polar, with lysine, which is basic and polar, at codon 127 of the HCN4 protein (p.Glu127Lys). This variant is not present in population databases (gnomAD no frequency). This variant has not been reported in the literature in individuals affected with HCN4-related conditions. ClinVar contains an entry for this variant (Variation ID: 577931). Invitae Evidence Modeling of protein sequence and biophysical properties (such as structural, functional, and spatial information, amino acid conservation, physicochemical variation, residue mobility, and thermodynamic stability) has been performed for this missense variant. However, the output from this modeling did not meet the statistical confidence thresholds required to predict the impact of this variant on HCN4 protein function. In summary, the available evidence is currently insufficient to determine the role of this variant in disease. Therefore, it has been classified as a Variant of Uncertain Significance.

Literature cited by the submitters: PubMed 28254188 (cited by Ambry Genetics).

NM_005477.3(HCN4):c.379G>A (p.Glu127Lys)

Gene: HCN4 (hyperpolarization activated cyclic nucleotide gated potassium channel 4; minus strand). Cytogenetic location: 15q24.1.
Variant type: single nucleotide variant.
Coding change: c.379G>A on transcript NM_005477.3 (MANE Select); coding-DNA position 379, G replaced by A.
Protein change: p.Glu127Lys; replaces glutamic acid 127 with lysine.
Molecular consequence: missense variant.
Genome position (GRCh38, 1-based): chr15:73,367,892, C>T on the plus strand (G>A on the coding strand, the complement: HCN4 is on the minus strand). VCF-style: chr15-73367892-C-T. GRCh37 (hg19) VCF-style: chr15-73660233-C-T.
Other names: short protein forms E127K.
Identifiers: ClinVar variation 577931 (VCV000577931.11), dbSNP rs1056770175, ClinGen allele CA272700368.